The following is an entry in ClinVar:

ClinVar aggregate classification (germline): Uncertain significance. Review status: criteria provided, multiple submitters, no conflicts (2 of 4 stars). 2 submissions from 2 submitters: Uncertain significance (2). Last evaluated 2025-08-26.

Conditions:
Inborn genetic diseases. Identifiers: MedGen C0950123, MeSH D030342.

Allele frequency attached by ClinVar (database versions not stated): gnomAD exomes 0.00003 and 0.00009; ExAC 0.00011; gnomAD 0.00032 and 0.00036; TOPMed 0.00032; ESP Exome Variant Server 0.00038.
gnomAD v4.1: 85 of 1,614,142 alleles (0.0053%); highest among the groups gnomAD compares: African/African-American, 0.11%; no homozygotes.

Submissions (2):

Ambry Genetics
Classification: Uncertain significance for Inborn genetic diseases. Last evaluated: 2025-08-26. Review status: criteria provided, single submitter. Criteria: Ambry Variant Classification Scheme 2023. Collection method: clinical testing. Allele origin: germline.

GeneDx
Classification: Uncertain significance. Last evaluated: 2025-04-22. Review status: criteria provided, single submitter. Criteria: GeneDx Variant Classification Process June 2021. Collection method: clinical testing. Allele origin: germline. Affected: yes.
Comment: In silico analysis indicates that this missense variant does not alter protein structure/function; Has not been previously published as pathogenic or benign to our knowledge

NM_012208.4(HARS2):c.152A>G (p.Glu51Gly)

Gene: HARS2 (histidyl-tRNA synthetase 2, mitochondrial; plus strand). Cytogenetic location: 5q31.3.
Variant type: single nucleotide variant.
Coding change: c.152A>G on transcript NM_012208.4 (MANE Select); coding-DNA position 152, A replaced by G.
Protein change: p.Glu51Gly; replaces glutamic acid 51 with glycine.
Molecular consequence: missense variant. On other transcripts: 5 prime UTR variant (2), intron variant (1).
Genome position (GRCh38, 1-based): chr5:140,693,634, A>G. VCF-style: chr5-140693634-A-G. GRCh37 (hg19) VCF-style: chr5-140073219-A-G.
Other names: p.E51G:GAG>GGG; c.-59A>G (NM_001278732.2, NM_001363536.2); c.170A>G, p.Glu57Gly (NM_001363535.2); c.109-301A>G (NM_001278731.2); short protein forms E51G, E57G.
Identifiers: ClinVar variation 214536 (VCV000214536.9), dbSNP rs140083454, ClinGen allele CA320905.